The following is an entry in ClinVar:

NM_001035.3(RYR2):c.5614G>A (p.Asp1872Asn)

Gene: RYR2 (ryanodine receptor 2; plus strand). Cytogenetic location: 1q43.
Variant type: single nucleotide variant.
Coding change: c.5614G>A on transcript NM_001035.3 (MANE Select); coding-DNA position 5614, G replaced by A.
Protein change: p.Asp1872Asn; replaces aspartic acid 1872 with asparagine.
Molecular consequence: missense variant.
Genome position (GRCh38, 1-based): chr1:237,614,742, G>A. VCF-style: chr1-237614742-G-A. GRCh37 (hg19) VCF-style: chr1-237778042-G-A.
Other names: c.5614G>A, p.Asp1872Asn (LRG_402t1); short protein forms D1872N.
Identifiers: ClinVar variation 509391 (VCV000509391.48), dbSNP rs761770946, ClinGen allele CA086920.

ClinVar aggregate classification (germline): Conflicting classifications of pathogenicity. Review status: criteria provided, conflicting classifications (1 of 4 stars). 8 submissions from 7 submitters: Uncertain significance (1); Benign (2); Likely benign (5). Last evaluated 2026-01-19.

Conditions:
Cardiovascular phenotype. Identifiers: MedGen CN230736.
Cardiomyopathy (CMYO). Also called: Cardiomyopathies. Identifiers: Orphanet 167848, MedGen C0878544, MONDO:0004994, HP:0001638. Inheritance: Various modes of inheritance.
Catecholaminergic polymorphic ventricular tachycardia 1. Also called: RYR2-Related Catecholaminergic Polymorphic Ventricular Tachycardia; VENTRICULAR TACHYCARDIA, STRESS-INDUCED POLYMORPHIC 1; VENTRICULAR TACHYCARDIA, CATECHOLAMINERGIC POLYMORPHIC, 1, WITH OR WITHOUT ATRIAL DYSFUNCTION AND/OR DILATED CARDIOMYOPATHY. Identifiers: Orphanet 3286, MedGen C1631597, MONDO:0011484, OMIM 604772.
Arrhythmogenic right ventricular dysplasia 2. Identifiers: MedGen C1832931.

Allele frequency attached by ClinVar (database versions not stated): gnomAD exomes 0.00003 and 0.00017; gnomAD 0.00005 and 0.00006; TOPMed 0.00008; ExAC 0.00017.

Submissions (8):

Labcorp Genetics (formerly Invitae), Labcorp
Classification: Likely benign for Catecholaminergic polymorphic ventricular tachycardia 1. Last evaluated: 2026-01-19. Review status: criteria provided, single submitter. Criteria: Invitae Variant Classification Sherloc (09022015). Collection method: clinical testing. Allele origin: germline.

Blueprint Genetics
Classification: Likely benign. Last evaluated: 2023-09-19. Review status: criteria provided, single submitter. Criteria: ACMG Guidelines, 2015. Collection method: clinical testing. Allele origin: germline.

CeGaT Center for Human Genetics Tuebingen
Classification: Benign. Last evaluated: 2022-07-01. Review status: criteria provided, single submitter. Criteria: CeGaT Center For Human Genetics Tuebingen Variant Classification Criteria Version 2. Collection method: clinical testing. Allele origin: germline. Affected: yes. Observed: 1 variant allele.
Comment: RYR2: BP4, BS1, BS2

Ambry Genetics
Classification: Likely benign for Cardiovascular phenotype. Last evaluated: 2019-11-25. Review status: criteria provided, single submitter. Criteria: Ambry Variant Classification Scheme 2023. Collection method: clinical testing. Allele origin: germline.

Color Diagnostics, LLC DBA Color Health
Classification: Likely benign for Cardiomyopathy. Last evaluated: 2018-11-30. Review status: criteria provided, single submitter. Criteria: ACMG Guidelines, 2015. Collection method: clinical testing. Allele origin: germline.

GeneDx
Classification: Likely benign. Last evaluated: 2017-08-03. Review status: criteria provided, single submitter. Criteria: GeneDx Variant Classification (06012015). Collection method: clinical testing. Allele origin: germline. Affected: yes.
Comment: This variant is considered likely benign or benign based on one or more of the following criteria: it is a conservative change, it occurs at a poorly conserved position in the protein, it is predicted to be benign by multiple in silico algorithms, and/or has population frequency not consistent with disease.

Illumina Laboratory Services, Illumina
Classification: Benign for Catecholaminergic polymorphic ventricular tachycardia 1. Last evaluated: 2017-04-27. Review status: criteria provided, single submitter. Criteria: ICSL Variant Classification Criteria 13 December 2019. Collection method: clinical testing. Allele origin: germline.
Comment: This variant was observed as part of a predisposition screen in an ostensibly healthy population. A literature search was performed for the gene, cDNA change, and amino acid change (where applicable). Publications were found based on this search. The evidence from the literature, in combination with allele frequency data from public databases where available, was sufficient to rule this variant out of causing disease. Therefore, this variant is classified as benign.

Illumina Laboratory Services, Illumina
Classification: Uncertain significance for Catecholaminergic polymorphic ventricular tachycardia 1. Last evaluated: 2017-04-27. Review status: criteria provided, single submitter. Criteria: ICSL Variant Classification Criteria 13 December 2019. Collection method: clinical testing. Allele origin: germline.

Literature cited by the submitters: PubMed 26350513 (cited by Ambry Genetics); PubMed 28404607 (cited by Ambry Genetics); PubMed 22222782 (cited by Illumina Laboratory Services, Illumina).